The following is an entry in ClinVar:

NM_014176.4(UBE2T):c.134del (p.Pro45fs)

Gene: UBE2T (ubiquitin conjugating enzyme E2 T; minus strand). Cytogenetic location: 1q32.1.
Variant type: Deletion.
Coding change: c.134del on transcript NM_014176.4 (MANE Select); coding-DNA position 134, one base deleted (C; older notation c.134delC).
Protein change: p.Pro45fs; shifts the reading frame from proline 45.
Molecular consequence: frameshift variant.
Genome position (GRCh38, 1-based): chr1:202,335,034, G deleted on the plus strand (C on the coding strand, the reverse complement: UBE2T is on the minus strand); the first of 2 consecutive G bases (chr1:202,335,034-202,335,035); deleting either gives the same sequence. VCF-style (leftmost placement, unchanged base first): chr1-202335033-AG-A. GRCh37 (hg19) VCF-style: chr1-202304161-AG-A.
Other names: c.44del, p.Pro15fs (NM_001310326.2); short protein forms P15fs, P45fs.
Identifiers: ClinVar variation 3713143 (VCV003713143.2).

ClinVar aggregate classification (germline): Pathogenic (1 of 4 stars; one submission).

Submission:

Labcorp Genetics (formerly Invitae), Labcorp
Classification: Pathogenic. Last evaluated: 2025-02-20. Review status: criteria provided, single submitter. Criteria: Invitae Variant Classification Sherloc (09022015). Collection method: clinical testing. Allele origin: germline.
Comment: This sequence change creates a premature translational stop signal (p.Pro45Leufs*9) in the UBE2T gene. It is expected to result in an absent or disrupted protein product. Loss-of-function variants in UBE2T are known to be pathogenic (PMID: 26046368, 26119737). This variant is present in population databases (rs762274818, gnomAD 0.007%). This variant has not been reported in the literature in individuals affected with UBE2T-related conditions. Algorithms developed to predict the effect of sequence changes on RNA splicing suggest that this variant may disrupt the consensus splice site. For these reasons, this variant has been classified as Pathogenic.

Literature cited by the submitters: PubMed 26046368; PubMed 26119737.